The following is an entry in ClinVar:

NM_001369.3(DNAH5):c.12163_12164delinsTCAGCAGCACGACGAT (p.Pro4055fs)

Gene: DNAH5 (dynein axonemal heavy chain 5; minus strand). Cytogenetic location: 5p15.2.
Variant type: Indel.
Coding change: c.12163_12164delinsTCAGCAGCACGACGAT on transcript NM_001369.3 (MANE Select); coding-DNA positions 12163 to 12164, CC replaced by TCAGCAGCACGACGAT.
Protein change: p.Pro4055fs; shifts the reading frame from proline 4055.
Molecular consequence: frameshift variant.
Genome position (GRCh38, 1-based): chr5:13,721,115-13,721,116, GG replaced by ATCGTCGTGCTGCTGA on the plus strand (CC replaced by TCAGCAGCACGACGAT on the coding strand, the reverse complement: DNAH5 is on the minus strand). VCF-style: chr5-13721115-GG-ATCGTCGTGCTGCTGA. GRCh37 (hg19) VCF-style: chr5-13721224-GG-ATCGTCGTGCTGCTGA.
Other names: short protein forms P4055fs.
Identifiers: ClinVar variation 5016445 (VCV005016445.1).

ClinVar aggregate classification (germline): Pathogenic (1 of 4 stars; one submission).

Conditions:
Primary ciliary dyskinesia 3. Identifiers: Orphanet 244, MedGen C1837618, MONDO:0012085, OMIM 608644.

Submission:

Myriad Genetics, Inc.
Classification: Pathogenic for Primary ciliary dyskinesia 3. Last evaluated: 2024-05-14. Review status: criteria provided, single submitter. Criteria: Myriad Autosomal Dominant, Autosomal Recessive and X-Linked Classification Criteria (2023). Collection method: clinical testing. Allele origin: unknown.
Comment: NM_001369.2(DNAH5):c.12163_12164del2ins16(P4055Sfs*17) is expected to be pathogenic in the context of primary ciliary dyskinesia, DNAH5-related. This variant is predicted to lead to an abnormal or absent protein product due to the creation of a premature termination codon in DNAH5, a gene where loss-of-function variants are known to be pathogenic. Please note: this variant was assessed in the context of healthy population screening.